The following is an entry in ClinVar:

ClinVar aggregate classification (germline): Uncertain significance (1 of 4 stars; one submission).

Conditions:
Holoprosencephaly 3 (HPE3). Identifiers: Orphanet 2162, MedGen C1840529, MONDO:0007733, OMIM 142945.

Submission:

Labcorp Genetics (formerly Invitae), Labcorp
Classification: Uncertain significance for Holoprosencephaly 3. Last evaluated: 2023-06-09. Review status: criteria provided, single submitter. Criteria: Invitae Variant Classification Sherloc (09022015). Collection method: clinical testing. Allele origin: germline.
Comment: In summary, the available evidence is currently insufficient to determine the role of this variant in disease. Therefore, it has been classified as a Variant of Uncertain Significance. Advanced modeling of protein sequence and biophysical properties (such as structural, functional, and spatial information, amino acid conservation, physicochemical variation, residue mobility, and thermodynamic stability) performed at Invitae indicates that this missense variant is not expected to disrupt SHH protein function. This variant has not been reported in the literature in individuals affected with SHH-related conditions. This variant is not present in population databases (gnomAD no frequency). This sequence change replaces serine, which is neutral and polar, with cysteine, which is neutral and slightly polar, at codon 338 of the SHH protein (p.Ser338Cys).

NM_000193.4(SHH):c.1012A>T (p.Ser338Cys)

Gene: SHH (sonic hedgehog signaling molecule; minus strand). Cytogenetic location: 7q36.3.
Variant type: single nucleotide variant.
Coding change: c.1012A>T on transcript NM_000193.4 (MANE Select); coding-DNA position 1012, A replaced by T.
Protein change: p.Ser338Cys; replaces serine 338 with cysteine.
Molecular consequence: missense variant. On other transcripts: intron variant (1).
Genome position (GRCh38, 1-based): chr7:155,803,277, T>A on the plus strand (A>T on the coding strand, the complement: SHH is on the minus strand). VCF-style: chr7-155803277-T-A. GRCh37 (hg19) VCF-style: chr7-155595971-T-A.
Other names: c.301+3019A>T (NM_001310462.2); short protein forms S338C.
Identifiers: ClinVar variation 2707252 (VCV002707252.3), dbSNP rs2535892871, ClinGen allele CA370145435.